The following is an entry in ClinVar:

NM_006514.4(SCN10A):c.1059G>A (p.Met353Ile)

Gene: SCN10A (sodium voltage-gated channel alpha subunit 10; minus strand). Cytogenetic location: 3p22.2.
Variant type: single nucleotide variant.
Coding change: c.1059G>A on transcript NM_006514.4 (MANE Select); coding-DNA position 1059, G replaced by A.
Protein change: p.Met353Ile; replaces methionine 353 with isoleucine.
Molecular consequence: missense variant.
Genome position (GRCh38, 1-based): chr3:38,757,051, C>T on the plus strand (G>A on the coding strand, the complement: SCN10A is on the minus strand). VCF-style: chr3-38757051-C-T. GRCh37 (hg19) VCF-style: chr3-38798542-C-T.
Other names: c.1059G>A, p.Met353Ile (NM_001293306.2, NM_001293307.2); short protein forms M353I.
Identifiers: ClinVar variation 5041803 (VCV005041803.1).

ClinVar aggregate classification (germline): Uncertain significance (1 of 4 stars; one submission).

Submission:

CeGaT Center for Human Genetics Tuebingen
Classification: Uncertain significance. Last evaluated: 2026-10-01. Review status: criteria provided, single submitter. Criteria: CeGaT Center For Human Genetics Tuebingen Variant Classification Criteria Version 2. Collection method: clinical testing. Allele origin: germline. Affected: yes. Observed: 1 variant allele.
Comment: SCN10A: PM2, PP3